The following is an entry in ClinVar:

NM_001165963.4(SCN1A):c.650C>T (p.Thr217Ile)

Gene: SCN1A (sodium voltage-gated channel alpha subunit 1; minus strand). Cytogenetic location: 2q24.3.
Variant type: single nucleotide variant.
Coding change: c.650C>T on transcript NM_001165963.4 (MANE Select); coding-DNA position 650, C replaced by T.
Protein change: p.Thr217Ile; replaces threonine 217 with isoleucine.
Molecular consequence: missense variant. On other transcripts: 5 prime UTR variant (1), non-coding transcript variant (1).
Genome position (GRCh38, 1-based): chr2:166,052,896, G>A on the plus strand (C>T on the coding strand, the complement: SCN1A is on the minus strand). VCF-style: chr2-166052896-G-A. GRCh37 (hg19) VCF-style: chr2-166909406-G-A.
Other names: c.650C>T, p.Thr217Ile (NM_001353958.2, NM_001353960.2, NM_006920.6 and 10 more transcripts); c.-1776C>T (NM_001353961.2); short protein forms T217I.
Identifiers: ClinVar variation 2779481 (VCV002779481.3), dbSNP rs121917936, ClinGen allele CA349074205.
Genomic context (GRCh38, chr2:166,052,896, plus strand): 5'-CTAACCTTGCTCTCACCTGGAATGACTGAAATCGTCTTCAATGCTCGGAGAACTCTGAAT[G>A]TTCTCAATGCCGAGACATTGCCCAGGTCCACAAACTCTGTGACGTACCTGTAATAGGGAG-3'
Protein context (NP_001159435.1, residues 207-227): VDLGNVSALR[Thr217Ile]FRVLRALKTI

ClinVar aggregate classification (germline): Likely pathogenic (1 of 4 stars; one submission).

Conditions:
Early-infantile DEE. Also called: Ohtahara syndrome; Early infantile epileptic encephalopathy; Early infantile epileptic encephalopathy with suppression bursts. Identifiers: Orphanet 1934, MedGen C0393706, MONDO:0800491.

Submission:

Labcorp Genetics (formerly Invitae), Labcorp
Classification: Likely pathogenic for Early-infantile DEE. Last evaluated: 2023-11-19. Review status: criteria provided, single submitter. Criteria: Invitae Variant Classification Sherloc (09022015). Collection method: clinical testing. Allele origin: germline.
Comment: This sequence change replaces threonine, which is neutral and polar, with isoleucine, which is neutral and non-polar, at codon 217 of the SCN1A protein (p.Thr217Ile). This variant is not present in population databases (gnomAD no frequency). This variant has not been reported in the literature in individuals affected with SCN1A-related conditions. Advanced modeling of protein sequence and biophysical properties (such as structural, functional, and spatial information, amino acid conservation, physicochemical variation, residue mobility, and thermodynamic stability) performed at Invitae indicates that this missense variant is expected to disrupt SCN1A protein function with a positive predictive value of 95%. This variant disrupts the p.Thr217 amino acid residue in SCN1A. Other variant(s) that disrupt this residue have been determined to be pathogenic (PMID: 17054684). This suggests that this residue is clinically significant, and that variants that disrupt this residue are likely to be disease-causing. In summary, the currently available evidence indicates that the variant is pathogenic, but additional data are needed to prove that conclusively. Therefore, this variant has been classified as Likely Pathogenic.

Literature cited by the submitters: PubMed 17054684.